The following is an entry in ClinVar:

NM_000179.3(MSH6):c.4026G>C (p.Arg1342Ser)

Gene: MSH6 (mutS homolog 6; plus strand). Cytogenetic location: 2p16.3.
Variant type: single nucleotide variant.
Coding change: c.4026G>C on transcript NM_000179.3 (MANE Select); coding-DNA position 4026, G replaced by C.
Protein change: p.Arg1342Ser; replaces arginine 1342 with serine.
Molecular consequence: missense variant.
Genome position (GRCh38, 1-based): chr2:47,806,803, G>C. VCF-style: chr2-47806803-G-C. GRCh37 (hg19) VCF-style: chr2-48033942-G-C.
Other names: c.3636G>C, p.Arg1212Ser (NM_001281492.2); c.3120G>C, p.Arg1040Ser (NM_001281493.2, NM_001281494.2); short protein forms R1342S, R1212S, R1040S.
Identifiers: ClinVar variation 232043 (VCV000232043.12), dbSNP rs876659515, ClinGen allele CA10578176.

ClinVar aggregate classification (germline): Conflicting classifications of pathogenicity. Review status: criteria provided, conflicting classifications (1 of 4 stars). 2 submissions from 2 submitters: Uncertain significance (1); Likely benign (1). Last evaluated 2025-07-29.

Conditions:
Hereditary nonpolyposis colorectal neoplasms. Identifiers: MedGen C0009405, MeSH D003123.
Hereditary cancer-predisposing syndrome. Also called: Neoplastic Syndromes, Hereditary; Tumor predisposition; Hereditary Cancer Syndrome; Hereditary neoplastic syndrome. Identifiers: Orphanet 140162, MedGen C0027672, MeSH D009386, MONDO:0015356.

Allele frequency attached by ClinVar (database versions not stated): gnomAD exomes 0.00001.
gnomAD v4.1: 5 of 1,607,866 alleles (0.00031%); highest among the groups gnomAD compares: African/African-American, 0.0014%; no homozygotes.

Submissions (2):

Labcorp Genetics (formerly Invitae), Labcorp
Classification: Likely benign for Hereditary nonpolyposis colorectal neoplasms. Last evaluated: 2025-07-29. Review status: criteria provided, single submitter. Criteria: Invitae Variant Classification Sherloc (09022015). Collection method: clinical testing. Allele origin: germline.

Ambry Genetics
Classification: Uncertain significance for Hereditary cancer-predisposing syndrome. Last evaluated: 2024-05-13. Review status: criteria provided, single submitter. Criteria: Ambry Variant Classification Scheme 2023. Collection method: clinical testing. Allele origin: germline.
Comment: The p.R1342S variant (also known as c.4026G>C), located in coding exon 10 of the MSH6 gene, results from a G to C substitution at nucleotide position 4026. The arginine at codon 1342 is replaced by serine, an amino acid with dissimilar properties. This amino acid position is not well conserved in available vertebrate species. In addition, the in silico prediction for this alteration is inconclusive. Since supporting evidence is limited at this time, the clinical significance of this alteration remains unclear.